The following is an entry in ClinVar:

NM_001148.6(ANK2):c.8001A>T (p.Glu2667Asp)

Gene: ANK2 (ankyrin 2; plus strand). Cytogenetic location: 4q26.
Variant type: single nucleotide variant.
Coding change: c.8001A>T on transcript NM_001148.6 (MANE Select); coding-DNA position 8001, A replaced by T.
Protein change: p.Glu2667Asp; replaces glutamic acid 2667 with aspartic acid.
Molecular consequence: missense variant. On other transcripts: intron variant (68).
Genome position (GRCh38, 1-based): chr4:113,356,619, A>T. VCF-style: chr4-113356619-A-T. GRCh37 (hg19) VCF-style: chr4-114277775-A-T.
Other names: c.7767A>T, p.Glu2589Asp (NM_001386142.1); c.4401A>T, p.Glu1467Asp (NM_001386166.1); c.8142A>T, p.Glu2714Asp (NM_001386174.1); c.8118A>T, p.Glu2706Asp (NM_001386175.1); c.4412-4204A>T (NM_001386186.2, NM_001386148.2); c.4214-4204A>T (NM_001354269.3); c.4292-4204A>T (NM_001386187.2); c.4253-4204A>T (NM_001386147.1); and 35 more; short protein forms E1467D, E2589D, E2667D, E2706D, E2714D.
Identifiers: ClinVar variation 3221009 (VCV003221009.1), dbSNP rs1278548395, ClinGen allele CA357932829.
Genomic context (GRCh38, chr4:113,356,619, plus strand): 5'-TGGTGTCCCTGTGTTAGTAACTTCGGAGAGCAGGAAGGTGTCTTCCTCCTCAGAAAGTGA[A>T]CCTGAGTTGGCACAGCTTAAAAAAGGTGCTGACTCAGGCCTTTTACCAGAACCAGTGATT-3'
Protein context (NP_001139.3, residues 2657-2677): SRKVSSSSES[Glu2667Asp]PELAQLKKGA

ClinVar aggregate classification (germline): Uncertain significance (1 of 4 stars; one submission).

Conditions:
Cardiovascular phenotype. Identifiers: MedGen CN230736.

Allele frequency attached by ClinVar (database versions not stated): gnomAD 0.00001; TOPMed 0.00001.
gnomAD v4.1: 1 of 1,613,926 alleles (0.000062%); highest among the groups gnomAD compares: Non-Finnish European, 0.000085%; no homozygotes.

Submission:

Ambry Genetics
Classification: Uncertain significance for Cardiovascular phenotype. Last evaluated: 2023-10-19. Review status: criteria provided, single submitter. Criteria: Ambry Variant Classification Scheme 2023. Collection method: clinical testing. Allele origin: germline.
Comment: The p.E2667D variant (also known as c.8001A>T), located in coding exon 38 of the ANK2 gene, results from an A to T substitution at nucleotide position 8001. The glutamic acid at codon 2667 is replaced by aspartic acid, an amino acid with highly similar properties. This amino acid position is conserved. In addition, this alteration is predicted to be tolerated by in silico analysis. Since supporting evidence is limited at this time, the clinical significance of this alteration remains unclear.